The following is an entry in ClinVar:

NM_004360.5(CDH1):c.1570C>G (p.Arg524Gly)

Gene: CDH1 (cadherin 1; plus strand). Cytogenetic location: 16q22.1.
Variant type: single nucleotide variant.
Coding change: c.1570C>G on transcript NM_004360.5 (MANE Select); coding-DNA position 1570, C replaced by G.
Protein change: p.Arg524Gly; replaces arginine 524 with glycine.
Molecular consequence: missense variant. On other transcripts: intron variant (1).
Genome position (GRCh38, 1-based): chr16:68,819,284, C>G. VCF-style: chr16-68819284-C-G. GRCh37 (hg19) VCF-style: chr16-68853187-C-G.
Other names: c.1570C>G (LRG_301t1); c.1387C>G, p.Arg463Gly (NM_001317184.2); c.22C>G, p.Arg8Gly (NM_001317185.2); c.-254-2717C>G (NM_001317186.2); short protein forms R524G, R463G, R8G.
Identifiers: ClinVar variation 184348 (VCV000184348.29), dbSNP rs373605261, ClinGen allele CA188678.

ClinVar aggregate classification (germline): Conflicting classifications of pathogenicity. Review status: criteria provided, conflicting classifications (1 of 4 stars). 7 submissions from 7 submitters: Uncertain significance (5); Likely benign (1). 1 of the submissions does not count toward it. Last evaluated 2025-11-10.

Conditions:
Hereditary cancer-predisposing syndrome. Also called: Tumor predisposition; Hereditary Cancer Syndrome; Hereditary neoplastic syndrome; Neoplastic Syndromes, Hereditary. Identifiers: Orphanet 140162, MedGen C0027672, MeSH D009386, MONDO:0015356.
Hereditary diffuse gastric adenocarcinoma (HDGC). Also called: DIFFUSE GASTRIC AND LOBULAR BREAST CANCER SYNDROME. Identifiers: Orphanet 26106, MedGen C1708349, MONDO:0007648, OMIM 137215.

Allele frequency attached by ClinVar (database versions not stated): TOPMed 0.00002; ESP Exome Variant Server 0.00008.
gnomAD v4.1: 15 of 1,614,090 alleles (0.00093%); highest among the groups gnomAD compares: African/African-American, 0.004%; no homozygotes.

Submissions (7):

Labcorp Genetics (formerly Invitae), Labcorp
Classification: Uncertain significance for Hereditary diffuse gastric adenocarcinoma. Last evaluated: 2025-11-10. Review status: criteria provided, single submitter. Criteria: Invitae Variant Classification Sherloc (09022015). Collection method: clinical testing. Allele origin: germline.
Comment: This sequence change replaces arginine, which is basic and polar, with glycine, which is neutral and non-polar, at codon 524 of the CDH1 protein (p.Arg524Gly). This variant is present in population databases (rs373605261, gnomAD 0.007%). This variant has not been reported in the literature in individuals affected with CDH1-related conditions. ClinVar contains an entry for this variant (Variation ID: 184348). An algorithm developed to predict the effect of missense changes on protein structure and function (PolyPhen-2) suggests that this variant is likely to be disruptive. In summary, the available evidence is currently insufficient to determine the role of this variant in disease. Therefore, it has been classified as a Variant of Uncertain Significance.

GeneDx
Classification: Uncertain significance. Last evaluated: 2025-04-10. Review status: criteria provided, single submitter. Criteria: GeneDx Variant Classification Process June 2021. Collection method: clinical testing. Allele origin: germline. Affected: yes.
Comment: Not observed at significant frequency in large population cohorts (gnomAD); In silico analysis supports that this missense variant has a deleterious effect on protein structure/function; This variant is associated with the following publications: (PMID: 15235021, 22850631, 33471991, 30287823)

Color Diagnostics, LLC DBA Color Health
Classification: Uncertain significance for Hereditary cancer-predisposing syndrome. Last evaluated: 2025-02-24. Review status: criteria provided, single submitter. Criteria: ACMG Guidelines, 2015. Collection method: clinical testing. Allele origin: germline.
Comment: This missense variant replaces arginine with glycine at codon 524 of the CDH1 protein. To our knowledge, functional studies have not been reported for this variant. This variant has been detected in a breast cancer case-control meta-analysis in 2/60466 cases and 0/53461 unaffected individuals (PMID: 33471991; Leiden Open Variation Database DB-ID CDH1_000598). This variant has been identified in 2/251482 chromosomes in the general population by the Genome Aggregation Database (gnomAD). The available evidence is insufficient to determine the role of this variant in disease conclusively. Therefore, this variant is classified as a Variant of Uncertain Significance.

Ambry Genetics
Classification: Likely benign for Hereditary cancer-predisposing syndrome. Last evaluated: 2024-08-23. Review status: criteria provided, single submitter. Criteria: Ambry Variant Classification Scheme 2023. Collection method: clinical testing. Allele origin: germline.

Quest Diagnostics Nichols Institute San Juan Capistrano
Classification: Uncertain significance. Last evaluated: 2024-01-23. Review status: criteria provided, single submitter. Criteria: Quest Diagnostics criteria. Collection method: clinical testing. Allele origin: unknown.
Comment: The CDH1 c.1570C>G (p.Arg524Gly) variant has been reported in the published literature in individuals with breast cancer (PMID: 33471991 (2021), see also LOVD). The frequency of this variant in the general population, 0.000008 (2/251482 chromosomes (Genome Aggregation Database)), is uninformative in the assessment of its pathogenicity. Analysis of this variant using bioinformatics tools for the prediction of the effect of amino acid changes on protein structure and function yielded predictions that this variant is damaging. Based on the available information, we are unable to determine the clinical significance of this variant.

Myriad Genetics, Inc.
Classification: Uncertain significance for Hereditary diffuse gastric adenocarcinoma. Last evaluated: 2023-03-06. Review status: criteria provided, single submitter. Criteria: Myriad Autosomal Dominant, Autosomal Recessive and X-Linked Classification Criteria (2023). Collection method: clinical testing. Allele origin: unknown.
Comment: This variant is classified as a variant of uncertain significance as there is insufficient evidence to determine its impact on protein function and/or cancer risk.

Counsyl
Classification: Uncertain significance for Hereditary diffuse gastric adenocarcinoma. Last evaluated: 2016-01-27. Review status: no assertion criteria provided. Collection method: clinical testing. Allele origin: unknown. Not counted in ClinVar's aggregate classification.

Literature cited by the submitters: PubMed 33471991 (cited by 3 submitters).